The following is an entry in ClinVar:

NM_001282225.2(ADA2):c.1386T>C (p.Ile462=)

Gene: ADA2 (adenosine deaminase 2; minus strand). Cytogenetic location: 22q11.1.
Variant type: single nucleotide variant.
Coding change: c.1386T>C on transcript NM_001282225.2 (MANE Select); coding-DNA position 1386, T replaced by C.
Protein change: p.Ile462=; no amino-acid change (isoleucine 462 retained).
Molecular consequence: synonymous variant.
Genome position (GRCh38, 1-based): chr22:17,181,876, A>G on the plus strand (T>C on the coding strand, the complement: ADA2 is on the minus strand). VCF-style: chr22-17181876-A-G. GRCh37 (hg19) VCF-style: chr22-17662766-A-G.
Other names: c.1386T>C, p.Ile462= (NM_001282226.2); c.1260T>C, p.Ile420= (NM_001282227.2, NM_001282228.2); c.1026T>C, p.Ile342= (NM_001282229.2); c.663T>C, p.Ile221= (NM_177405.3).
Identifiers: ClinVar variation 474906 (VCV000474906.40), dbSNP rs373797039, ClinGen allele CA10087882.

ClinVar aggregate classification (germline): Conflicting classifications of pathogenicity. Review status: criteria provided, conflicting classifications (1 of 4 stars). 4 submissions from 4 submitters: Uncertain significance (1); Likely benign (2). 1 of the submissions does not count toward it. Last evaluated 2025-12-14.

Conditions:
ADA2-related disorder. Also called: ADA2-related condition.
Autoinflammatory syndrome. Identifiers: Orphanet 93665, MedGen C3890737, MONDO:0019751.
Deficiency of adenosine deaminase 2. Also called: Polyarteritis nodosa, childhoood-onset; Adenosine Deaminase 2 Deficiency; VASCULITIS, AUTOINFLAMMATION, IMMUNODEFICIENCY, AND HEMATOLOGIC DEFECTS SYNDROME. Identifiers: Orphanet 404553, MedGen C3887654, MONDO:0014306, OMIM 615688, MONDO:0100317.

Allele frequency attached by ClinVar (database versions not stated): ExAC 0.00003; gnomAD exomes 0.00004 and 0.00006; gnomAD 0.00009 and 0.00051; ESP Exome Variant Server 0.00015; TOPMed 0.00077.
gnomAD v4.1: 165 of 1,614,116 alleles (0.01%); highest among the groups gnomAD compares: Middle Eastern, 0.017%; no homozygotes.

Submissions (4):

Labcorp Genetics (formerly Invitae), Labcorp
Classification: Likely benign for Deficiency of adenosine deaminase 2. Last evaluated: 2025-12-14. Review status: criteria provided, single submitter. Criteria: Invitae Variant Classification Sherloc (09022015). Collection method: clinical testing. Allele origin: germline.

CeGaT Center for Human Genetics Tuebingen
Classification: Likely benign. Last evaluated: 2023-10-01. Review status: criteria provided, single submitter. Criteria: CeGaT Center For Human Genetics Tuebingen Variant Classification Criteria Version 2. Collection method: clinical testing. Allele origin: germline. Affected: yes. Observed: 2 variant alleles.
Comment: ADA2: BP4, BP7

Genome Diagnostics Laboratory, The Hospital for Sick Children
Classification: Uncertain significance for Autoinflammatory syndrome. Last evaluated: 2020-07-28. Review status: criteria provided, single submitter. Criteria: ACMG Guidelines, 2015. Collection method: clinical testing. Allele origin: germline. Affected: yes.

PreventionGenetics, part of Exact Sciences
Classification: Likely benign for ADA2-related condition. Last evaluated: 2022-02-01. Review status: no assertion criteria provided. Collection method: clinical testing. Allele origin: germline. Not counted in ClinVar's aggregate classification.
Comment: This variant is classified as likely benign based on ACMG/AMP sequence variant interpretation guidelines (Richards et al. 2015 PMID: 25741868, with internal and published modifications).